The following is an entry in ClinVar:

NM_001388367.1(NBPF9):c.702C>T (p.Asp234=)

Gene: NBPF9 (NBPF member 9; minus strand). Cytogenetic location: 1q21.2.
Variant type: single nucleotide variant.
Coding change: c.702C>T on transcript NM_001388367.1 (MANE Select); coding-DNA position 702, C replaced by T.
Protein change: p.Asp234=; no amino-acid change (aspartic acid 234 retained).
Molecular consequence: synonymous variant.
Genome position (GRCh38, 1-based): chr1:149,077,284, G>A on the plus strand (C>T on the coding strand, the complement: NBPF9 is on the minus strand). VCF-style: chr1-149077284-G-A. GRCh37 (hg19) VCF-style: chr1-144620018-C-T.
Other names: c.702C>T, p.Asp234= (NM_001037675.4, NM_001277444.2, NM_001388366.1 and 16 more transcripts).
Identifiers: ClinVar variation 2639059 (VCV002639059.19), dbSNP rs587729605, ClinGen allele CA342449516.
Genomic context (GRCh38, chr1:149,077,284, plus strand): 5'-AGCATCCTGACATTCATCATGAGAGGATTCTCTGTCTACAACCAGAGTTGAGTTGACTTC[G>A]TCTTCCTCAAATGTGATTTTGATGTTCTTGTGAGGCTGGTTGGAGTCACAAGGGCCGTGG-3'
Protein context (NP_001375296.1, residues 224-244): HKNIKITFEE[Asp234=]EVNSTLVVDR

ClinVar aggregate classification (germline): Likely benign (1 of 4 stars; one submission).

Allele frequency attached by ClinVar (database versions not stated): gnomAD 0.00096; 1000 Genomes Project 30x 0.01171.

Submission:

CeGaT Center for Human Genetics Tuebingen
Classification: Likely benign. Last evaluated: 2022-05-01. Review status: criteria provided, single submitter. Criteria: CeGaT Center For Human Genetics Tuebingen Variant Classification Criteria Version 2. Collection method: clinical testing. Allele origin: germline. Affected: yes. Observed: 1 variant allele.
Comment: NBPF9: BP4, BP7